The following is an entry in ClinVar:

NM_000051.4(ATM):c.4915C>A (p.Pro1639Thr)

Gene: ATM (ATM serine/threonine kinase; plus strand). Cytogenetic location: 11q22.3.
Variant type: single nucleotide variant.
Coding change: c.4915C>A on transcript NM_000051.4 (MANE Select); coding-DNA position 4915, C replaced by A.
Protein change: p.Pro1639Thr; replaces proline 1639 with threonine.
Molecular consequence: missense variant.
Genome position (GRCh38, 1-based): chr11:108,297,292, C>A. VCF-style: chr11-108297292-C-A. GRCh37 (hg19) VCF-style: chr11-108168019-C-A.
Other names: c.4915C>A, p.Pro1639Thr (NM_001351834.2); short protein forms P1639T.
Identifiers: ClinVar variation 847996 (VCV000847996.9), dbSNP rs1565469722, ClinGen allele CA382537997.

ClinVar aggregate classification (germline): Uncertain significance (1 of 4 stars; one submission).

Conditions:
Ataxia-telangiectasia syndrome (AT). Also called: Ataxia-telangiectasia, complementation group E; Cerebello-oculocutaneous telangiectasia; Immunodeficiency with ataxia telangiectasia; Ataxia-telangiectasia, complementation group D; AT, COMPLEMENTATION GROUP C; Ataxia-telangiectasia. Identifiers: Orphanet 100, MedGen C0004135, MONDO:0008840, OMIM 208900.

Submission:

Labcorp Genetics (formerly Invitae), Labcorp
Classification: Uncertain significance for Ataxia-telangiectasia syndrome. Last evaluated: 2020-05-27. Review status: criteria provided, single submitter. Criteria: Invitae Variant Classification Sherloc (09022015). Collection method: clinical testing. Allele origin: germline.
Comment: This sequence change replaces proline with threonine at codon 1639 of the ATM protein (p.Pro1639Thr). The proline residue is moderately conserved and there is a small physicochemical difference between proline and threonine. This variant is not present in population databases (ExAC no frequency). This variant has not been reported in the literature in individuals with ATM-related conditions. ClinVar contains an entry for this variant (Variation ID: 847996). Algorithms developed to predict the effect of missense changes on protein structure and function are either unavailable or do not agree on the potential impact of this missense change (SIFT: "Tolerated"; PolyPhen-2: "Possibly Damaging"; Align-GVGD: "Class C0"). In summary, the available evidence is currently insufficient to determine the role of this variant in disease. Therefore, it has been classified as a Variant of Uncertain Significance.